The following is an entry in ClinVar:

NM_015178.3(RHOBTB2):c.1409A>G (p.Asn470Ser)

Gene: RHOBTB2 (Rho related BTB domain containing 2; plus strand). Cytogenetic location: 8p21.3.
Variant type: single nucleotide variant.
Coding change: c.1409A>G on transcript NM_015178.3 (MANE Select); coding-DNA position 1409, A replaced by G.
Protein change: p.Asn470Ser; replaces asparagine 470 with serine.
Molecular consequence: missense variant.
Genome position (GRCh38, 1-based): chr8:23,007,654, A>G. VCF-style: chr8-23007654-A-G. GRCh37 (hg19) VCF-style: chr8-22865167-A-G.
Other names: c.1475A>G, p.Asn492Ser (NM_001160036.2); c.1430A>G, p.Asn477Ser (NM_001160037.2); c.1409A>G, p.Asn470Ser (NM_001374791.1); short protein forms N470S, N477S, N492S.
Identifiers: ClinVar variation 2957858 (VCV002957858.3), dbSNP rs752989589, ClinGen allele CA4672659.

ClinVar aggregate classification (germline): Uncertain significance (1 of 4 stars; one submission).

Allele frequency attached by ClinVar (database versions not stated): gnomAD exomes 0.00001; ExAC 0.00002.
gnomAD v4.1: 12 of 1,614,132 alleles (0.00074%); highest among the groups gnomAD compares: Non-Finnish European, 0.001%; no homozygotes.

Submission:

Labcorp Genetics (formerly Invitae), Labcorp
Classification: Uncertain significance. Last evaluated: 2023-04-03. Review status: criteria provided, single submitter. Criteria: Invitae Variant Classification Sherloc (09022015). Collection method: clinical testing. Allele origin: germline.
Comment: This sequence change replaces asparagine, which is neutral and polar, with serine, which is neutral and polar, at codon 492 of the RHOBTB2 protein (p.Asn492Ser). This variant is present in population databases (rs752989589, gnomAD 0.0009%). This variant has not been reported in the literature in individuals affected with RHOBTB2-related conditions. Advanced modeling of protein sequence and biophysical properties (such as structural, functional, and spatial information, amino acid conservation, physicochemical variation, residue mobility, and thermodynamic stability) performed at Invitae indicates that this missense variant is not expected to disrupt RHOBTB2 protein function. In summary, the available evidence is currently insufficient to determine the role of this variant in disease. Therefore, it has been classified as a Variant of Uncertain Significance.